The following is an entry in ClinVar:

NM_001848.3(COL6A1):c.1777-229G>A

Gene: COL6A1 (collagen type VI alpha 1 chain; plus strand). Cytogenetic location: 21q22.3.
Variant type: single nucleotide variant.
Coding change: c.1777-229G>A on transcript NM_001848.3 (MANE Select); 229 bases into the intron before coding-DNA position 1777, G replaced by A.
Molecular consequence: intron variant.
Genome position (GRCh38, 1-based): chr21:46,000,102, G>A. VCF-style: chr21-46000102-G-A. GRCh37 (hg19) VCF-style: chr21-47420016-G-A.
Identifiers: ClinVar variation 679185 (VCV000679185.1), dbSNP rs35900642, ClinGen allele CA14888041.

ClinVar aggregate classification (germline): Benign (1 of 4 stars; one submission).

Allele frequency attached by ClinVar (database versions not stated): 1000 Genomes Project 30x 0.86914; gnomAD 0.87548 and 0.87805; TOPMed 0.87728.
gnomAD v4.1: 131,566 of 150,398 alleles (87%); highest among the groups gnomAD compares: Admixed American, 90%; 57,544 homozygotes.

Submission:

GeneDx
Classification: Benign. Last evaluated: 2018-06-14. Review status: criteria provided, single submitter. Criteria: GeneDx Variant Classification (06012015). Collection method: clinical testing. Allele origin: germline. Affected: yes.
Comment: This variant is considered likely benign or benign based on one or more of the following criteria: it is a conservative change, it occurs at a poorly conserved position in the protein, it is predicted to be benign by multiple in silico algorithms, and/or has population frequency not consistent with disease.